The following is an entry in ClinVar:

ClinVar aggregate classification (germline): Pathogenic (1 of 4 stars; one submission).

Submission:

Labcorp Genetics (formerly Invitae), Labcorp
Classification: Pathogenic. Last evaluated: 2023-07-31. Review status: criteria provided, single submitter. Criteria: Invitae Variant Classification Sherloc (09022015). Collection method: clinical testing. Allele origin: germline.
Comment: This variant disrupts a region of the CNGA1 protein in which other variant(s) (p.Arg424*) have been determined to be pathogenic (PMID: 26496393). This suggests that this is a clinically significant region of the protein, and that variants that disrupt it are likely to be disease-causing. For these reasons, this variant has been classified as Pathogenic. This sequence change creates a premature translational stop signal (p.Lys239Ilefs*14) in the CNGA1 gene. While this is not anticipated to result in nonsense mediated decay, it is expected to disrupt the last 452 amino acid(s) of the CNGA1 protein. This variant is not present in population databases (gnomAD no frequency). This variant has not been reported in the literature in individuals affected with CNGA1-related conditions.

Literature cited by the submitters: PubMed 26496393.

NM_001379270.1(CNGA1):c.704_707del (p.Lys235fs)

Genes: CNGA1 (cyclic nucleotide gated channel subunit alpha 1; minus strand), LOC101927157 (uncharacterized LOC101927157; plus strand). Cytogenetic location: 4p12.
Variant type: Microsatellite.
Coding change: c.704_707del on transcript NM_001379270.1 (MANE Select); coding-DNA positions 704 to 707, 4 bases deleted (AATA; older notation c.704_707delAATA).
Protein change: p.Lys235fs; shifts the reading frame from lysine 235.
Molecular consequence: frameshift variant.
Genome position (GRCh38, 1-based): chr4:47,937,775-47,937,778, TATT deleted on the plus strand (AATA on the coding strand, the reverse complement: CNGA1 is on the minus strand); deleting any 4 consecutive bases within chr4:47,937,775-47,937,785 gives the same sequence; the c. name uses the placement nearest the transcript's 3' end. VCF-style (leftmost placement, unchanged base first): chr4-47937774-ATATT-A. GRCh37 (hg19) VCF-style: chr4-47939791-ATATT-A.
Other names: c.704_707del, p.Lys235fs (NM_000087.5, NM_001142564.2); short protein forms K235fs.
Identifiers: ClinVar variation 1459156 (VCV001459156.6), dbSNP rs2110130838, ClinGen allele CA2580616096.